The following is an entry in ClinVar:

NM_182961.4(SYNE1):c.16442C>T (p.Ala5481Val)

Gene: SYNE1 (spectrin repeat containing nuclear envelope protein 1; minus strand). Cytogenetic location: 6q25.2.
Variant type: single nucleotide variant.
Coding change: c.16442C>T on transcript NM_182961.4 (MANE Select); coding-DNA position 16442, C replaced by T.
Protein change: p.Ala5481Val; replaces alanine 5481 with valine.
Molecular consequence: missense variant.
Genome position (GRCh38, 1-based): chr6:152,318,211, G>A on the plus strand (C>T on the coding strand, the complement: SYNE1 is on the minus strand). VCF-style: chr6-152318211-G-A. GRCh37 (hg19) VCF-style: chr6-152639346-G-A.
Other names: c.16229C>T, p.Ala5410Val (NM_033071.5); short protein forms A5410V, A5481V.
Identifiers: ClinVar variation 2112631 (VCV002112631.4), dbSNP rs2483653252, ClinGen allele CA366112180.
Genomic context (GRCh38, chr6:152,318,211, plus strand): 5'-ATCTTCTTGGCCAGTGGCTTACCCAGTTGGCCATTCTGTTCCAAGAATTTCTGTACTGCT[G>A]CATCTAATTCCATTAACTTTGAATTACAGCCATCTAATTCCTCTCCCAGCACCTTGATGG-3'
Protein context (NP_892006.3, residues 5471-5491): GCNSKLMELD[Ala5481Val]AVQKFLEQNG

ClinVar aggregate classification (germline): Uncertain significance (1 of 4 stars; one submission).

Conditions:
Emery-Dreifuss muscular dystrophy 4, autosomal dominant (EDMD4). Also called: EMERY-DREIFUSS MUSCULAR DYSTROPHY 4 WITH VARIABLE FEATURES. Identifiers: Orphanet 261, MedGen C2751807, MONDO:0013071, OMIM 612998.
Autosomal recessive ataxia, Beauce type. Also called: SYNE1 Deficiency; Spinocerebellar ataxia, autosomal recessive 8; ATAXIA, RECESSIVE, OF BEAUCE; SYNE1-Related Autosomal Recessive Cerebellar Ataxia. Identifiers: Orphanet 88644, MedGen C1853116, MONDO:0012549, OMIM 610743.

gnomAD v4.1: 1 of 1,614,084 alleles (0.000062%); highest among the groups gnomAD compares: Non-Finnish European, 0.000085%; no homozygotes.

Submission:

Labcorp Genetics (formerly Invitae), Labcorp
Classification: Uncertain significance for Emery-Dreifuss muscular dystrophy 4, autosomal dominant; Autosomal recessive ataxia, Beauce type. Last evaluated: 2022-03-16. Review status: criteria provided, single submitter. Criteria: Invitae Variant Classification Sherloc (09022015). Collection method: clinical testing. Allele origin: germline.
Comment: In summary, the available evidence is currently insufficient to determine the role of this variant in disease. Therefore, it has been classified as a Variant of Uncertain Significance. Algorithms developed to predict the effect of missense changes on protein structure and function (SIFT, PolyPhen-2, Align-GVGD) all suggest that this variant is likely to be tolerated. This variant has not been reported in the literature in individuals affected with SYNE1-related conditions. This variant is not present in population databases (gnomAD no frequency). This sequence change replaces alanine, which is neutral and non-polar, with valine, which is neutral and non-polar, at codon 5410 of the SYNE1 protein (p.Ala5410Val).